The following is an entry in ClinVar:

ClinVar aggregate classification (germline): Uncertain significance (1 of 4 stars; one submission).

Conditions:
Hereditary cancer-predisposing syndrome. Also called: Hereditary Cancer Syndrome; Neoplastic Syndromes, Hereditary; Tumor predisposition; Hereditary neoplastic syndrome. Identifiers: Orphanet 140162, MedGen C0027672, MeSH D009386, MONDO:0015356.

Submission:

Ambry Genetics
Classification: Uncertain significance for Hereditary cancer-predisposing syndrome. Last evaluated: 2026-07-07. Review status: criteria provided, single submitter. Criteria: Ambry Variant Classification Scheme 2023. Collection method: clinical testing. Allele origin: germline.
Comment: The p.G109R variant (also known as c.325G>A), located in coding exon 3 of the EGFR gene, results from a G to A substitution at nucleotide position 325. The glycine at codon 109 is replaced by arginine, an amino acid with dissimilar properties. This amino acid position is conserved. In addition, this alteration is predicted to be deleterious by in silico analysis. Based on the available evidence, the clinical significance of this variant remains unclear.

NM_005228.5(EGFR):c.325G>A (p.Gly109Arg)

Gene: EGFR (epidermal growth factor receptor; plus strand). Cytogenetic location: 7p11.2.
Variant type: single nucleotide variant.
Coding change: c.325G>A on transcript NM_005228.5 (MANE Select); coding-DNA position 325, G replaced by A.
Protein change: p.Gly109Arg; replaces glycine 109 with arginine.
Molecular consequence: missense variant. On other transcripts: intron variant (1).
Genome position (GRCh38, 1-based): chr7:55,143,389, G>A. VCF-style: chr7-55143389-G-A. GRCh37 (hg19) VCF-style: chr7-55211082-G-A.
Other names: c.325G>A, p.Gly109Arg (NM_001346897.2, NM_001346898.2, NM_001346899.2 and 3 more transcripts); c.166G>A, p.Gly56Arg (NM_001346900.2); c.89-12441G>A (NM_001346941.2); short protein forms G56R, G109R.
Identifiers: ClinVar variation 5035779 (VCV005035779.1).